The following is an entry in ClinVar:

ClinVar aggregate classification (germline): Uncertain significance (1 of 4 stars; one submission).

Allele frequency attached by ClinVar (database versions not stated): gnomAD exomes below 0.00001; TOPMed below 0.00001; gnomAD 0.00001.
gnomAD v4.1: 5 of 1,614,008 alleles (0.00031%); highest among the groups gnomAD compares: South Asian, 0.0022%; no homozygotes.

Submission:

Labcorp Genetics (formerly Invitae), Labcorp
Classification: Uncertain significance. Last evaluated: 2023-03-14. Review status: criteria provided, single submitter. Criteria: Invitae Variant Classification Sherloc (09022015). Collection method: clinical testing. Allele origin: germline.
Comment: Algorithms developed to predict the effect of missense changes on protein structure and function output the following: SIFT: "Not Available"; PolyPhen-2: "Benign"; Align-GVGD: "Not Available". The valine amino acid residue is found in multiple mammalian species, which suggests that this missense change does not adversely affect protein function. In summary, the available evidence is currently insufficient to determine the role of this variant in disease. Therefore, it has been classified as a Variant of Uncertain Significance. This variant has not been reported in the literature in individuals affected with VCAN-related conditions. This variant is not present in population databases (gnomAD no frequency). This sequence change replaces isoleucine, which is neutral and non-polar, with valine, which is neutral and non-polar, at codon 2438 of the VCAN protein (p.Ile2438Val).

NM_004385.5(VCAN):c.7312A>G (p.Ile2438Val)

Genes: VCAN-AS1 (VCAN antisense RNA 1; minus strand), VCAN (versican; plus strand). Cytogenetic location: 5q14.3.
Variant type: single nucleotide variant.
Coding change: c.7312A>G on transcript NM_004385.5 (MANE Select); coding-DNA position 7312, A replaced by G.
Protein change: p.Ile2438Val; replaces isoleucine 2438 with valine.
Molecular consequence: missense variant. On other transcripts: intron variant (2).
Genome position (GRCh38, 1-based): chr5:83,540,315, A>G. VCF-style: chr5-83540315-A-G. GRCh37 (hg19) VCF-style: chr5-82836134-A-G.
Other names: c.4351A>G, p.Ile1451Val (NM_001164097.2); c.4004-5222A>G (NM_001164098.2); c.1043-5222A>G (NM_001126336.3); short protein forms I1451V, I2438V.
Identifiers: ClinVar variation 2967089 (VCV002967089.3), dbSNP rs1398901810, ClinGen allele CA360314473.